The following is an entry in ClinVar:

ClinVar aggregate classification (germline): Uncertain significance (1 of 4 stars; one submission).

Submission:

Labcorp Genetics (formerly Invitae), Labcorp
Classification: Uncertain significance. Last evaluated: 2019-07-25. Review status: criteria provided, single submitter. Criteria: Invitae Variant Classification Sherloc (09022015). Collection method: clinical testing. Allele origin: germline.
Comment: This variant has not been reported in the literature in individuals with IMPG2-related conditions. Algorithms developed to predict the effect of missense changes on protein structure and function are either unavailable or do not agree on the potential impact of this missense change (SIFT: "Deleterious"; PolyPhen-2: "Probably Damaging"; Align-GVGD: "Class C15"). In summary, the available evidence is currently insufficient to determine the role of this variant in disease. Therefore, it has been classified as a Variant of Uncertain Significance. This variant is not present in population databases (ExAC no frequency). This sequence change replaces phenylalanine with leucine at codon 967 of the IMPG2 protein (p.Phe967Leu). The phenylalanine residue is highly conserved and there is a small physicochemical difference between phenylalanine and leucine.

NM_016247.4(IMPG2):c.2899T>C (p.Phe967Leu)

Gene: IMPG2 (interphotoreceptor matrix proteoglycan 2; minus strand). Cytogenetic location: 3q12.3.
Variant type: single nucleotide variant.
Coding change: c.2899T>C on transcript NM_016247.4 (MANE Select); coding-DNA position 2899, T replaced by C.
Protein change: p.Phe967Leu; replaces phenylalanine 967 with leucine.
Molecular consequence: missense variant.
Genome position (GRCh38, 1-based): chr3:101,242,811, A>G on the plus strand (T>C on the coding strand, the complement: IMPG2 is on the minus strand). VCF-style: chr3-101242811-A-G. GRCh37 (hg19) VCF-style: chr3-100961655-A-G.
Other names: short protein forms F967L.
Identifiers: ClinVar variation 946892 (VCV000946892.9), dbSNP rs1706424968, ClinGen allele CA353853640.